The following is an entry in ClinVar:

NM_001365951.3(KIF1B):c.1147C>T (p.Leu383Phe)

Gene: KIF1B (kinesin family member 1B; plus strand). Cytogenetic location: 1p36.22.
Variant type: single nucleotide variant.
Coding change: c.1147C>T on transcript NM_001365951.3 (MANE Select); coding-DNA position 1147, C replaced by T.
Protein change: p.Leu383Phe; replaces leucine 383 with phenylalanine.
Molecular consequence: missense variant.
Genome position (GRCh38, 1-based): chr1:10,278,095, C>T. VCF-style: chr1-10278095-C-T. GRCh37 (hg19) VCF-style: chr1-10338153-C-T.
Other names: c.1147C>T, p.Leu383Phe (NM_001365952.1); c.1129C>T, p.Leu377Phe (NM_001365953.1, NM_015074.3, NM_183416.4); short protein forms L377F, L383F.
Identifiers: ClinVar variation 1727664 (VCV001727664.3), dbSNP rs2521198066, ClinGen allele CA338334494.
Genomic context (GRCh38, chr1:10,278,095, plus strand): 5'-GACCCCAATGCCAAACTGGTTCGTGAATTAAAGGAGGAGGTGACACGGCTGAAGGACCTT[C>T]TTCGTGCTCAGGGCCTGGGAGATATTATTGATAGTAAGTGAATTAAGGATCGTTACAAAA-3'
Protein context (NP_001352880.1, residues 373-393): KEEVTRLKDL[Leu383Phe]RAQGLGDIID

ClinVar aggregate classification (germline): Uncertain significance (1 of 4 stars; one submission).

Allele frequency attached by ClinVar (database versions not stated): gnomAD exomes below 0.00001.
gnomAD v4.1: 1 of 1,614,044 alleles (0.000062%); highest among the groups gnomAD compares: East Asian, 0.0022%; no homozygotes.

Submission:

Ambry Genetics
Classification: Uncertain significance. Last evaluated: 2025-12-22. Review status: criteria provided, single submitter. Criteria: Ambry Variant Classification Scheme 2023. Collection method: clinical testing. Allele origin: germline.
Comment: The p.L377F variant (also known as c.1129C>T), located in coding exon 11 of the KIF1B gene, results from a C to T substitution at nucleotide position 1129. The leucine at codon 377 is replaced by phenylalanine, an amino acid with highly similar properties. This amino acid position is conserved. In addition, this alteration is predicted to be deleterious by in silico analysis. The evidence for this gene-disease relationship is limited; therefore, the clinical significance of this alteration is unclear.